The following is an entry in ClinVar:

NM_000038.6(APC):c.109del (p.Leu37fs)

Gene: APC (APC regulator of Wnt signaling pathway; plus strand). Cytogenetic location: 5q22.2.
Variant type: Deletion.
Coding change: c.109del on transcript NM_000038.6 (MANE Select); coding-DNA position 109, one base deleted (C; older notation c.109delC).
Protein change: p.Leu37fs; shifts the reading frame from leucine 37.
Molecular consequence: frameshift variant. On other transcripts: 5 prime UTR variant (4), non-coding transcript variant (2), intron variant (11).
Genome position (GRCh38, 1-based): chr5:112,754,999, C deleted. VCF-style (leftmost placement, unchanged base first): chr5-112754998-AC-A. GRCh37 (hg19) VCF-style: chr5-112090695-AC-A.
Other names: c.109del, p.Leu37fs (NM_001127510.3, NM_001354895.2, NM_001354896.2 and 16 more transcripts); c.-927del (NM_001354906.2, NM_001407470.1, NM_001407471.1 and 1 more transcripts); c.166-11327del (NM_001407446.1, NM_001354897.2, NM_001354902.2 and 1 more transcripts); c.-42-11327del (NM_001407453.1, NM_001354900.2, NM_001354901.2 and 1 more transcripts); c.61-11327del (NM_001407451.1, NM_001354898.2, NM_001354904.2); short protein forms L37fs.
Identifiers: ClinVar variation 3721216 (VCV003721216.2).

ClinVar aggregate classification (germline): Pathogenic (1 of 4 stars; one submission).

Conditions:
Familial adenomatous polyposis 1 (FAP1). Also called: FAMILIAL ADENOMATOUS POLYPOSIS 1, ATTENUATED; POLYPOSIS, ADENOMATOUS INTESTINAL. Identifiers: MedGen C2713442, MONDO:0021056, OMIM 175100. Disease mechanism: loss of function.

Submission:

Labcorp Genetics (formerly Invitae), Labcorp
Classification: Pathogenic for Familial adenomatous polyposis 1. Last evaluated: 2024-09-21. Review status: criteria provided, single submitter. Criteria: Invitae Variant Classification Sherloc (09022015). Collection method: clinical testing. Allele origin: germline.
Comment: This sequence change creates a premature translational stop signal (p.Leu37Trpfs*8) in the APC gene. It is expected to result in an absent or disrupted protein product. Loss-of-function variants in APC are known to be pathogenic (PMID: 17963004, 20685668). This variant is not present in population databases (gnomAD no frequency). This variant has not been reported in the literature in individuals affected with APC-related conditions. For these reasons, this variant has been classified as Pathogenic.

Literature cited by the submitters: PubMed 17963004; PubMed 20685668.